The following is an entry in ClinVar:

ClinVar aggregate classification (germline): Benign/Likely benign. Review status: criteria provided, multiple submitters, no conflicts (2 of 4 stars). 9 submissions from 8 submitters: Benign (8); Likely benign (1). Last evaluated 2026-02-04.

Conditions:
Pityriasis rubra pilaris (PRP). Also called: Pityriasis rubra pilaris--familial type. Identifiers: Orphanet 2897, MedGen C0032027, MONDO:0100017, OMIM 173200, MONDO:0008251.
Psoriasis 2. Identifiers: MedGen C1864497, MONDO:0011269, OMIM 602723.

Allele frequency attached by ClinVar (database versions not stated): TOPMed 0.29454; ESP Exome Variant Server 0.29840; 1000 Genomes Project 30x 0.29856; 1000 Genomes Project 0.30132; gnomAD 0.31201; gnomAD exomes 0.32942; ExAC 0.34806.
gnomAD v4.1: 543,894 of 1,604,012 alleles (34%); highest among the groups gnomAD compares: East Asian, 42%; 94,043 homozygotes.

Submissions (9):

Labcorp Genetics (formerly Invitae), Labcorp
Classification: Benign for Pityriasis rubra pilaris; Psoriasis 2. Last evaluated: 2026-02-04. Review status: criteria provided, single submitter. Criteria: Invitae Variant Classification Sherloc (09022015). Collection method: clinical testing. Allele origin: germline.

Women's Health and Genetics/Laboratory Corporation of America, LabCorp
Classification: Benign. Last evaluated: 2026-01-21. Review status: criteria provided, single submitter. Criteria: LabCorp Variant Classification Summary - May 2015. Collection method: clinical testing. Allele origin: germline.

Blueprint Genetics
Classification: Likely benign. Last evaluated: 2024-11-28. Review status: criteria provided, single submitter. Criteria: ACMG Guidelines, 2015. Collection method: clinical testing. Allele origin: germline.

Unidad de Genómica Garrahan, Hospital de Pediatría Garrahan
Classification: Benign. Last evaluated: 2023-11-12. Review status: criteria provided, single submitter. Criteria: ACMG Guidelines, 2015. Collection method: clinical testing. Allele origin: germline. Affected: no. Observed: 46 variant alleles.
Comment: This variant is classified as Benign based on local population frequency. This variant was detected in 48% of patients studied by a panel of primary immunodeficiencies. Number of patients: 46. Only high quality variants are reported.

Genome-Nilou Lab
Classification: Benign for Pityriasis rubra pilaris. Last evaluated: 2021-07-14. Review status: criteria provided, single submitter. Criteria: ACMG Guidelines, 2015. Collection method: clinical testing. Allele origin: germline. Affected: no.

Genome-Nilou Lab
Classification: Benign for Psoriasis 2. Last evaluated: 2021-07-14. Review status: criteria provided, single submitter. Criteria: ACMG Guidelines, 2015. Collection method: clinical testing. Allele origin: germline. Affected: no.

Mayo Clinic Laboratories, Mayo Clinic
Classification: Benign. Last evaluated: 2018-03-22. Review status: criteria provided, single submitter. Criteria: ACMG Guidelines, 2015. Collection method: clinical testing. Allele origin: germline. Observed: 560 variant alleles.

Laboratory for Molecular Medicine, Mass General Brigham Personalized Medicine
Classification: Benign. Last evaluated: 2016-03-29. Review status: criteria provided, single submitter. Criteria: LMM Criteria. Collection method: clinical testing. Allele origin: germline.
Comment: Variant identified in a genome or exome case(s) and assessed due to predicted null impact of the variant or pathogenic assertions in the literature or databases. Disclaimer: This variant has not undergone full assessment. The following are preliminary notes: Frequency

Breakthrough Genomics
Classification: Benign. Review status: criteria provided, single submitter. Criteria: ACMG Guidelines, 2015. Collection method: not provided. Allele origin: germline. Inheritance: Autosomal dominant inheritance. Affected: yes.

NM_001366385.1(CARD14):c.676-6G>A

Gene: CARD14 (caspase recruitment domain family member 14; plus strand). Cytogenetic location: 17q25.3.
Variant type: single nucleotide variant.
Coding change: c.676-6G>A on transcript NM_001366385.1 (MANE Select); 6 bases into the intron before coding-DNA position 676, G replaced by A.
Molecular consequence: intron variant.
Genome position (GRCh38, 1-based): chr17:80,188,371, G>A. VCF-style: chr17-80188371-G-A. GRCh37 (hg19) VCF-style: chr17-78162170-G-A.
Other names: p.?; c.676-6G>A (NM_001257970.1, NM_024110.4); c.-36-6G>A (NM_052819.3).
Identifiers: ClinVar variation 402484 (VCV000402484.22), dbSNP rs28674001, ClinGen allele CA8816495.
Genomic context (GRCh38, chr17:80,188,371, plus strand): 5'-CCCCCAGCTCCTGATCAGGGGAGAAGCTGTTTCCATCGCCCTTCCTGTCGCCTCCCCACC[G>A]CACAGCTGTATCTACTGAAGCAGGAGCTGCAGCGAGCCAACATGGTTTCCTCCTGTGAGC-3'